The following is an entry in ClinVar:

ClinVar aggregate classification (germline): Uncertain significance (1 of 4 stars; one submission).

Conditions:
Inborn genetic diseases. Identifiers: MedGen C0950123, MeSH D030342.

Allele frequency attached by ClinVar (database versions not stated): gnomAD exomes below 0.00001.

Submission:

Ambry Genetics
Classification: Uncertain significance for Inborn genetic diseases. Last evaluated: 2024-07-15. Review status: criteria provided, single submitter. Criteria: Ambry Variant Classification Scheme 2023. Collection method: clinical testing. Allele origin: germline.
Comment: The p.G159E variant (also known as c.476G>A), located in coding exon 5 of the MDH2 gene, results from a G to A substitution at nucleotide position 476. The glycine at codon 159 is replaced by glutamic acid, an amino acid with similar properties. This amino acid position is conserved. In addition, this alteration is predicted to be deleterious by in silico analysis. Based on the available evidence, the clinical significance of this variant remains unclear.

NM_005918.4(MDH2):c.476G>A (p.Gly159Glu)

Gene: MDH2 (malate dehydrogenase 2; plus strand). Cytogenetic location: 7q11.23.
Variant type: single nucleotide variant.
Coding change: c.476G>A on transcript NM_005918.4 (MANE Select); coding-DNA position 476, G replaced by A.
Protein change: p.Gly159Glu; replaces glycine 159 with glutamic acid.
Molecular consequence: missense variant. On other transcripts: intron variant (1).
Genome position (GRCh38, 1-based): chr7:76,060,419, G>A. VCF-style: chr7-76060419-G-A. GRCh37 (hg19) VCF-style: chr7-75689737-G-A.
Other names: c.155G>A, p.Gly52Glu (NM_001282404.2); c.429+2341G>A (NM_001282403.2); short protein forms G159E, G52E.
Identifiers: ClinVar variation 3124598 (VCV003124598.2), dbSNP rs2535863818, ClinGen allele CA367764896.